The following is an entry in ClinVar:

ClinVar aggregate classification (germline): Uncertain significance (0 of 4 stars; one submission).

Conditions:
TCF20-related disorder. Also called: TCF20-related condition.

Submission:

PreventionGenetics, part of Exact Sciences
Classification: Uncertain significance for TCF20-related condition. Last evaluated: 2024-09-28. Review status: no assertion criteria provided. Collection method: clinical testing. Allele origin: germline.
Comment: The TCF20 c.5099T>C variant is predicted to result in the amino acid substitution p.Met1700Thr. To our knowledge, this variant has not been reported in the literature or in a large population database, indicating this variant is rare. At this time, the clinical significance of this variant is uncertain due to the absence of conclusive functional and genetic evidence.

NM_001378418.1(TCF20):c.5099T>C (p.Met1700Thr)

Gene: TCF20 (transcription factor 20; minus strand). Cytogenetic location: 22q13.2.
Variant type: single nucleotide variant.
Coding change: c.5099T>C on transcript NM_001378418.1 (MANE Select); coding-DNA position 5099, T replaced by C.
Protein change: p.Met1700Thr; replaces methionine 1700 with threonine.
Molecular consequence: missense variant.
Genome position (GRCh38, 1-based): chr22:42,210,207, A>G on the plus strand (T>C on the coding strand, the complement: TCF20 is on the minus strand). VCF-style: chr22-42210207-A-G. GRCh37 (hg19) VCF-style: chr22-42606213-A-G.
Other names: c.5099T>C, p.Met1700Thr (NM_005650.4, NM_181492.3); short protein forms M1700T.
Identifiers: ClinVar variation 3353812 (VCV003353812.1).
Genomic context (GRCh38, chr22:42,210,207, plus strand): 5'-AGGTCACCCATGTTCCGGTAACTGGCCCACTTGCCACACAGACAGCAAACCAGGTGCCCC[A>G]TAACCGAAGACTCTGTCACAACAGGTCCCTGCAGCATAAAGGACGAGGCCGGGAGCGCCT-3'
Protein context (NP_001365347.1, residues 1690-1710): QGPVVTESSV[Met1700Thr]GHLVCCLCGK